The following is an entry in ClinVar:

NM_001110556.2(FLNA):c.280A>G (p.Asn94Asp)

Gene: FLNA (filamin A; minus strand). Cytogenetic location: Xq28.
Variant type: single nucleotide variant.
Coding change: c.280A>G on transcript NM_001110556.2 (MANE Select); coding-DNA position 280, A replaced by G.
Protein change: p.Asn94Asp; replaces asparagine 94 with aspartic acid.
Molecular consequence: missense variant.
Genome position (GRCh38, 1-based): chrX:154,370,966, T>C on the plus strand (A>G on the coding strand, the complement: FLNA is on the minus strand). VCF-style: chrX-154370966-T-C. GRCh37 (hg19) VCF-style: chrX-153599334-T-C.
Other names: c.280A>G, p.Asn94Asp (NM_001456.4); short protein forms N94D.
Identifiers: ClinVar variation 2133410 (VCV002133410.4), dbSNP rs2522771411, ClinGen allele CA415254593.

ClinVar aggregate classification (germline): Likely pathogenic (1 of 4 stars; one submission).

Conditions:
Oto-palato-digital syndrome, type II (OPD2). Also called: Otopalatodigital Syndrome Type 2 (FLNA-OPD2); Otopalatodigital Syndrome, Type II; FACIOPALATOOSSEOUS SYNDROME; OPD II SYNDROME. Identifiers: Orphanet 669, Orphanet 90652, MedGen C1844696, MONDO:0010571, OMIM 304120.
Frontometaphyseal dysplasia (FMD1). Identifiers: Orphanet 1826, MedGen C0265293, MONDO:0015942.
Melnick-Needles syndrome (MNS). Also called: Melnick-Needles Syndrome (FLNA-MNS); MELNICK-NEEDLES OSTEODYSPLASTY; OSTEODYSPLASTY OF MELNICK AND NEEDLES. Identifiers: Orphanet 2484, MedGen C0025237, MONDO:0010650, OMIM 309350.
Heterotopia, periventricular, X-linked dominant (PVNH1). Also called: PERIVENTRICULAR NODULAR HETEROTOPIA 4; HETEROTOPIA, PERIVENTRICULAR, 1; X-linked periventricular heterotopia; PERIVENTRICULAR NODULAR HETEROTOPIA 1. Identifiers: Orphanet 2149, Orphanet 82004, MedGen C1848213, MONDO:0010233, OMIM 300049.

Submission:

Labcorp Genetics (formerly Invitae), Labcorp
Classification: Likely pathogenic for Oto-palato-digital syndrome, type II; Heterotopia, periventricular, X-linked dominant; Frontometaphyseal dysplasia; Melnick-Needles syndrome. Last evaluated: 2022-06-15. Review status: criteria provided, single submitter. Criteria: Invitae Variant Classification Sherloc (09022015). Collection method: clinical testing. Allele origin: germline.
Comment: In summary, the currently available evidence indicates that the variant is pathogenic, but additional data are needed to prove that conclusively. Therefore, this variant has been classified as Likely Pathogenic. Advanced modeling of protein sequence and biophysical properties (such as structural, functional, and spatial information, amino acid conservation, physicochemical variation, residue mobility, and thermodynamic stability) performed at Invitae indicates that this missense variant is not expected to disrupt FLNA protein function. This missense change has been observed in individual(s) with periventricular heterotopia (Invitae). In at least one individual the variant was observed to be de novo. This variant is not present in population databases (gnomAD no frequency). This sequence change replaces asparagine, which is neutral and polar, with aspartic acid, which is acidic and polar, at codon 94 of the FLNA protein (p.Asn94Asp).